The following is an entry in ClinVar:

NM_003906.5(MCM3AP):c.3091_3092del (p.Gln1031fs)

Gene: MCM3AP (minichromosome maintenance complex component 3 associated protein; minus strand). Cytogenetic location: 21q22.3.
Variant type: Microsatellite.
Coding change: c.3091_3092del on transcript NM_003906.5 (MANE Select); coding-DNA positions 3091 to 3092, 2 bases deleted (CA; older notation c.3091_3092delCA).
Protein change: p.Gln1031fs; shifts the reading frame from glutamine 1031.
Molecular consequence: frameshift variant.
Genome position (GRCh38, 1-based): chr21:46,265,463-46,265,464, TG deleted on the plus strand (CA on the coding strand, the reverse complement: MCM3AP is on the minus strand); deleting any 2 consecutive bases within chr21:46,265,463-46,265,466 gives the same sequence; the c. name uses the placement nearest the transcript's 3' end. VCF-style (leftmost placement, unchanged base first): chr21-46265462-CTG-C. GRCh37 (hg19) VCF-style: chr21-47685376-CTG-C.
Other names: short protein forms Q1031fs.
Identifiers: ClinVar variation 4720989 (VCV004720989.1).

ClinVar aggregate classification (germline): Pathogenic (1 of 4 stars; one submission).

Submission:

Labcorp Genetics (formerly Invitae), Labcorp
Classification: Pathogenic. Last evaluated: 2025-06-09. Review status: criteria provided, single submitter. Criteria: Invitae Variant Classification Sherloc (09022015). Collection method: clinical testing. Allele origin: germline.
Comment: This sequence change creates a premature translational stop signal (p.Gln1031Valfs*34) in the MCM3AP gene. It is expected to result in an absent or disrupted protein product. Loss-of-function variants in MCM3AP are known to be pathogenic (PMID: 28633435). This variant is not present in population databases (gnomAD no frequency). This variant has not been reported in the literature in individuals affected with MCM3AP-related conditions. For these reasons, this variant has been classified as Pathogenic.

Literature cited by the submitters: PubMed 28633435.